The following is an entry in ClinVar:

NM_001370259.2(MEN1):c.1787G>C (p.Ser596Thr)

Gene: MEN1 (menin 1; minus strand). Cytogenetic location: 11q13.1.
Variant type: single nucleotide variant.
Coding change: c.1787G>C on transcript NM_001370259.2 (MANE Select); coding-DNA position 1787, G replaced by C.
Protein change: p.Ser596Thr; replaces serine 596 with threonine.
Molecular consequence: missense variant.
Genome position (GRCh38, 1-based): chr11:64,804,380, C>G on the plus strand (G>C on the coding strand, the complement: MEN1 is on the minus strand). VCF-style: chr11-64804380-C-G. GRCh37 (hg19) VCF-style: chr11-64571852-C-G.
Other names: c.1787G>C (NM_130799.2); c.1802G>C, p.Ser601Thr (NM_000244.4, NM_130800.3, NM_130801.3 and 3 more transcripts); c.1913G>C, p.Ser638Thr (NM_001370251.2); c.1787G>C, p.Ser596Thr (NM_001370260.2, NM_001370261.2, NM_130799.3); c.1682G>C, p.Ser561Thr (NM_001370262.2, NM_001370263.2); short protein forms S596T, S601T, S561T, S638T.
Identifiers: ClinVar variation 1414313 (VCV001414313.7), dbSNP rs2136077666, ClinGen allele CA381177287.

ClinVar aggregate classification (germline): Uncertain significance. Review status: criteria provided, multiple submitters, no conflicts (2 of 4 stars). 2 submissions from 2 submitters: Uncertain significance (2). Last evaluated 2024-09-16.

Conditions:
Hereditary cancer-predisposing syndrome. Also called: Hereditary neoplastic syndrome; Neoplastic Syndromes, Hereditary; Hereditary Cancer Syndrome; Tumor predisposition. Identifiers: Orphanet 140162, MedGen C0027672, MeSH D009386, MONDO:0015356.
Multiple endocrine neoplasia, type 1 (MEN1). Also called: MEN I; WERMER SYNDROME; Endocrine adenomatosis multiple; MEN 1; MEA I. Identifiers: Orphanet 652, MedGen C0025267, MeSH D018761, MONDO:0007540, OMIM 131100.

Submissions (2):

Ambry Genetics
Classification: Uncertain significance for Hereditary cancer-predisposing syndrome. Last evaluated: 2024-09-16. Review status: criteria provided, single submitter. Criteria: Ambry Variant Classification Scheme 2023. Collection method: clinical testing. Allele origin: germline.
Comment: The p.S596T variant (also known as c.1787G>C), located in coding exon 9 of the MEN1 gene, results from a G to C substitution at nucleotide position 1787. The serine at codon 596 is replaced by threonine, an amino acid with similar properties. This amino acid position is conserved. In addition, the in silico prediction for this alteration is inconclusive. Based on the available evidence, the clinical significance of this variant remains unclear.

Labcorp Genetics (formerly Invitae), Labcorp
Classification: Uncertain significance for Multiple endocrine neoplasia, type 1. Last evaluated: 2023-05-20. Review status: criteria provided, single submitter. Criteria: Invitae Variant Classification Sherloc (09022015). Collection method: clinical testing. Allele origin: germline.
Comment: In summary, the available evidence is currently insufficient to determine the role of this variant in disease. Therefore, it has been classified as a Variant of Uncertain Significance. Advanced modeling of protein sequence and biophysical properties (such as structural, functional, and spatial information, amino acid conservation, physicochemical variation, residue mobility, and thermodynamic stability) performed at Invitae indicates that this missense variant is expected to disrupt MEN1 protein function. ClinVar contains an entry for this variant (Variation ID: 1414313). This variant has not been reported in the literature in individuals affected with MEN1-related conditions. This variant is not present in population databases (gnomAD no frequency). This sequence change replaces serine, which is neutral and polar, with threonine, which is neutral and polar, at codon 596 of the MEN1 protein (p.Ser596Thr).